The following is an entry in ClinVar:

NM_001159699.2(FHL1):c.518A>G (p.Lys173Arg)

Gene: FHL1 (four and a half LIM domains 1; plus strand). Cytogenetic location: Xq26.3.
Variant type: single nucleotide variant.
Coding change: c.518A>G on transcript NM_001159699.2 (MANE Select); coding-DNA position 518, A replaced by G.
Protein change: p.Lys173Arg; replaces lysine 173 with arginine.
Molecular consequence: missense variant. On other transcripts: non-coding transcript variant (1).
Genome position (GRCh38, 1-based): chrX:136,207,930, A>G. VCF-style: chrX-136207930-A-G. GRCh37 (hg19) VCF-style: chrX-135290089-A-G.
Other names: c.470A>G, p.Lys157Arg (NM_001159700.2, NM_001159702.3, NM_001159703.2 and 9 more transcripts); c.557A>G, p.Lys186Arg (NM_001159701.2); c.518A>G, p.Lys173Arg (NM_001330659.2); short protein forms K173R, K186R, K157R.
Identifiers: ClinVar variation 3710146 (VCV003710146.2).

ClinVar aggregate classification (germline): Uncertain significance (1 of 4 stars; one submission).

Conditions:
X-linked myopathy with postural muscle atrophy. Also called: FHL1-Related Emery-Dreifuss Muscular Dystrophy, X-Linked. Identifiers: Orphanet 178461, MedGen C2678055, MONDO:0010401, OMIM 300696.

Submission:

Labcorp Genetics (formerly Invitae), Labcorp
Classification: Uncertain significance for X-linked myopathy with postural muscle atrophy. Last evaluated: 2024-11-16. Review status: criteria provided, single submitter. Criteria: Invitae Variant Classification Sherloc (09022015). Collection method: clinical testing. Allele origin: germline.
Comment: This sequence change replaces lysine, which is basic and polar, with arginine, which is basic and polar, at codon 157 of the FHL1 protein (p.Lys157Arg). This variant is not present in population databases (gnomAD no frequency). This variant has not been reported in the literature in individuals affected with FHL1-related conditions. An algorithm developed to predict the effect of missense changes on protein structure and function (PolyPhen-2) suggests that this variant is likely to be disruptive. In summary, the available evidence is currently insufficient to determine the role of this variant in disease. Therefore, it has been classified as a Variant of Uncertain Significance.